The following is an entry in ClinVar:

ClinVar aggregate classification (germline): Uncertain significance (1 of 4 stars; one submission).

Conditions:
Acyl-CoA oxidase deficiency. Also called: Pseudoneonatal adrenoleukodystrophy; STRAIGHT-CHAIN ACYL-CoA OXIDASE DEFICIENCY; Peroxisomal acyl-CoA oxidase deficiency. Identifiers: Orphanet 2971, MedGen C1849678, MONDO:0009919, OMIM 264470. Disease mechanism: loss of function.

Submission:

Labcorp Genetics (formerly Invitae), Labcorp
Classification: Uncertain significance for Acyl-CoA oxidase deficiency. Last evaluated: 2025-09-22. Review status: criteria provided, single submitter. Criteria: Invitae Variant Classification Sherloc (09022015). Collection method: clinical testing. Allele origin: germline.
Comment: This sequence change replaces arginine, which is basic and polar, with glutamine, which is neutral and polar, at codon 31 of the ACOX1 protein (p.Arg31Gln). This variant is not present in population databases (gnomAD no frequency). This variant has not been reported in the literature in individuals affected with ACOX1-related conditions. Invitae Evidence Modeling of protein sequence and biophysical properties (such as structural, functional, and spatial information, amino acid conservation, physicochemical variation, residue mobility, and thermodynamic stability) indicates that this missense variant is not expected to disrupt ACOX1 protein function with a negative predictive value of 80%. In summary, the available evidence is currently insufficient to determine the role of this variant in disease. Therefore, it has been classified as a Variant of Uncertain Significance.

NM_004035.7(ACOX1):c.92G>A (p.Arg31Gln)

Gene: ACOX1 (acyl-CoA oxidase 1; minus strand). Cytogenetic location: 17q25.1.
Variant type: single nucleotide variant.
Coding change: c.92G>A on transcript NM_004035.7 (MANE Select); coding-DNA position 92, G replaced by A.
Protein change: p.Arg31Gln; replaces arginine 31 with glutamine.
Molecular consequence: missense variant. On other transcripts: 5 prime UTR variant (1).
Genome position (GRCh38, 1-based): chr17:75,978,982, C>T on the plus strand (G>A on the coding strand, the complement: ACOX1 is on the minus strand). VCF-style: chr17-75978982-C-T. GRCh37 (hg19) VCF-style: chr17-73975063-C-T.
Other names: c.-197G>A (NM_001185039.2); c.92G>A, p.Arg31Gln (NM_007292.6); short protein forms R31Q.
Identifiers: ClinVar variation 4707115 (VCV004707115.1).